The following is an entry in ClinVar:

NM_000444.6(PHEX):c.1206A>G (p.Gln402=)

Gene: PHEX (phosphate regulating endopeptidase X-linked; plus strand). Cytogenetic location: Xp22.11.
Variant type: single nucleotide variant.
Coding change: c.1206A>G on transcript NM_000444.6 (MANE Select); coding-DNA position 1206, A replaced by G.
Protein change: p.Gln402=; no amino-acid change (glutamine 402 retained).
Molecular consequence: synonymous variant.
Genome position (GRCh38, 1-based): chrX:22,114,490, A>G. VCF-style: chrX-22114490-A-G. GRCh37 (hg19) VCF-style: chrX-22132608-A-G.
Other names: p.Gln402=; c.1206A>G, p.Gln402= (NM_001282754.2).
Identifiers: ClinVar variation 368167 (VCV000368167.15), dbSNP rs151234075, ClinGen allele CA10368203.

ClinVar aggregate classification (germline): Benign. Review status: criteria provided, multiple submitters, no conflicts (2 of 4 stars). 4 submissions from 4 submitters: Benign (4). Last evaluated 2026-01-25.

Conditions:
Familial X-linked hypophosphatemic vitamin D refractory rickets (XLHRD). Also called: X-Linked Hypophosphatemia; HYPOPHOSPHATEMIC VITAMIN D-RESISTANT RICKETS; Hypophosphatemic Rickets, X-Linked Dominant; Hypophosphatemia, vitamin D-resistant rickets; Vitamin D-resistant rickets, X-linked. Identifiers: Orphanet 89936, MedGen C0733682, MONDO:0010619, OMIM 307800.

Allele frequency attached by ClinVar (database versions not stated): gnomAD exomes 0.00293; ExAC 0.00359; gnomAD 0.00941 and 0.00986; TOPMed 0.01128; 1000 Genomes Project 0.01139; ESP Exome Variant Server 0.01174; 1000 Genomes Project 30x 0.01290.
gnomAD v4.1: 2,214 of 1,195,884 alleles (0.19%); highest among the groups gnomAD compares: African/African-American, 3.3%; 30 homozygotes.

Submissions (4):

Labcorp Genetics (formerly Invitae), Labcorp
Classification: Benign. Last evaluated: 2026-01-25. Review status: criteria provided, single submitter. Criteria: Invitae Variant Classification Sherloc (09022015). Collection method: clinical testing. Allele origin: germline.

Mayo Clinic Laboratories, Mayo Clinic
Classification: Benign. Last evaluated: 2025-03-21. Review status: criteria provided, single submitter. Criteria: ACMG Guidelines, 2015. Collection method: clinical testing. Allele origin: germline. Observed: 3 variant alleles.
Comment: BA1, BS2, BP4, BP7

Illumina Laboratory Services, Illumina
Classification: Benign for Familial X-linked hypophosphatemic vitamin D refractory rickets. Last evaluated: 2018-01-13. Review status: criteria provided, single submitter. Criteria: ICSL Variant Classification Criteria 13 December 2019. Collection method: clinical testing. Allele origin: germline.
Comment: This variant was observed in the ICSL laboratory as part of a predisposition screen in an ostensibly healthy population. It had not been previously curated by ICSL or reported in the Human Gene Mutation Database (HGMD: prior to June 1st, 2018), and was therefore a candidate for classification through an automated scoring system. Utilizing variant allele frequency, disease prevalence and penetrance estimates, and inheritance mode, an automated score was calculated to assess if this variant is too frequent to cause the disease. Based on the score and internal cut-off values, a variant classified as benign is not then subjected to further curation. The score for this variant resulted in a classification of benign for this disease.

GeneDx
Classification: Benign. Last evaluated: 2016-03-03. Review status: criteria provided, single submitter. Criteria: GeneDx Variant Classification (06012015). Collection method: clinical testing. Allele origin: germline. Affected: yes.
Comment: This variant is considered likely benign or benign based on one or more of the following criteria: it is a conservative change, it occurs at a poorly conserved position in the protein, it is predicted to be benign by multiple in silico algorithms, and/or has population frequency not consistent with disease.